The following is an entry in ClinVar:

ClinVar aggregate classification (germline): Uncertain significance (1 of 4 stars; one submission).

gnomAD v4.1: 1 of 1,614,048 alleles (0.000062%); highest among the groups gnomAD compares: Non-Finnish European, 0.000085%; no homozygotes.

Submission:

Labcorp Genetics (formerly Invitae), Labcorp
Classification: Uncertain significance. Last evaluated: 2024-07-30. Review status: criteria provided, single submitter. Criteria: Invitae Variant Classification Sherloc (09022015). Collection method: clinical testing. Allele origin: germline.
Comment: This sequence change replaces valine, which is neutral and non-polar, with leucine, which is neutral and non-polar, at codon 193 of the OR2W3 protein (p.Val193Leu). This variant is not present in population databases (gnomAD no frequency). This variant has not been reported in the literature in individuals affected with OR2W3-related conditions. An algorithm developed to predict the effect of missense changes on protein structure and function (PolyPhen-2) suggests that this variant is likely to be tolerated. In summary, the available evidence is currently insufficient to determine the role of this variant in disease. Therefore, it has been classified as a Variant of Uncertain Significance.

NM_001001957.2(OR2W3):c.577G>C (p.Val193Leu)

Gene: OR2W3 (olfactory receptor family 2 subfamily W member 3; plus strand). Cytogenetic location: 1q44.
Variant type: single nucleotide variant.
Coding change: c.577G>C on transcript NM_001001957.2 (MANE Select); coding-DNA position 577, G replaced by C.
Protein change: p.Val193Leu; replaces valine 193 with leucine.
Molecular consequence: missense variant.
Genome position (GRCh38, 1-based): chr1:247,896,163, G>C. VCF-style: chr1-247896163-G-C. GRCh37 (hg19) VCF-style: chr1-248059465-G-C.
Other names: short protein forms V193L.
Identifiers: ClinVar variation 3656326 (VCV003656326.2).
Genomic context (GRCh38, chr1:247,896,163, plus strand): 5'-GAGGTGGACCACTTCCTGCGTGAGATGCCCGCCCTGATCCGGATGGCCTGCGTCAGCACT[G>C]TGGCCATCGAAGGCACCGTCTTTGTCCTGGCGGTGGGTGTTGTGCTGTCCCCCTTGGTGT-3'
Protein context (NP_001001957.2, residues 183-203): ALIRMACVST[Val193Leu]AIEGTVFVLA